The following is an entry in ClinVar:

NM_153700.2(STRC):c.4496C>T (p.Pro1499Leu)

Gene: STRC (stereocilin; minus strand). Cytogenetic location: 15q15.3.
Variant type: single nucleotide variant.
Coding change: c.4496C>T on transcript NM_153700.2 (MANE Select); coding-DNA position 4496, C replaced by T.
Protein change: p.Pro1499Leu; replaces proline 1499 with leucine.
Molecular consequence: missense variant.
Genome position (GRCh38, 1-based): chr15:43,603,291, G>A on the plus strand (C>T on the coding strand, the complement: STRC is on the minus strand). VCF-style: chr15-43603291-G-A. GRCh37 (hg19) VCF-style: chr15-43895489-G-A.
Other names: short protein forms P1499L.
Identifiers: ClinVar variation 5019011 (VCV005019011.2).

ClinVar aggregate classification (germline): Uncertain significance (1 of 4 stars; one submission).

Conditions:
Autosomal recessive nonsyndromic hearing loss 16. Also called: DFNB16 Nonsyndromic Hearing Loss and Deafness; DEAFNESS, AUTOSOMAL RECESSIVE 16. Identifiers: Orphanet 90636, MedGen C1863561, MONDO:0011364, OMIM 603720.

gnomAD v4.1: 6 of 1,613,658 alleles (0.00037%); highest among the groups gnomAD compares: East Asian, 0.0089%; 1 homozygote.

Submission:

Juno Genomics, Hangzhou Juno Genomics, Inc
Classification: Uncertain significance for Autosomal recessive nonsyndromic hearing loss 16. Review status: criteria provided, single submitter. Criteria: ACMG Guidelines, 2015. Collection method: clinical testing. Allele origin: germline.
Comment: Absent from controls (or at extremely low frequency if recessive) in Genome Aggregation Database.